The following is an entry in ClinVar:

ClinVar aggregate classification (germline): Uncertain significance. Review status: criteria provided, multiple submitters, no conflicts (2 of 4 stars). 3 submissions from 3 submitters: Uncertain significance (3). Last evaluated 2023-11-05.

Conditions:
Hereditary pulmonary alveolar proteinosis. Also called: Pulmonary surfactant metabolism dysfunction. Identifiers: Orphanet 264675, MedGen C3711368, MONDO:0012580.
Interstitial lung disease due to ABCA3 deficiency. Also called: PULMONARY ALVEOLAR PROTEINOSIS, CONGENITAL, 3. Identifiers: Orphanet 440402, MedGen C1970456, MONDO:0012582, OMIM 610921.

Allele frequency attached by ClinVar (database versions not stated): gnomAD 0.00001; TOPMed 0.00005; ExAC 0.00009; gnomAD exomes 0.00010.
gnomAD v4.1: 64 of 1,612,602 alleles (0.004%); highest among the groups gnomAD compares: South Asian, 0.047%; 1 homozygote.

Submissions (3):

Revvity Omics, Revvity
Classification: Uncertain significance for Interstitial lung disease due to ABCA3 deficiency. Last evaluated: 2023-11-05. Review status: criteria provided, single submitter. Criteria: ACMG Guidelines, 2015. Collection method: clinical testing. Allele origin: germline.

Labcorp Genetics (formerly Invitae), Labcorp
Classification: Uncertain significance. Last evaluated: 2022-09-21. Review status: criteria provided, single submitter. Criteria: Invitae Variant Classification Sherloc (09022015). Collection method: clinical testing. Allele origin: germline.
Comment: This sequence change replaces alanine, which is neutral and non-polar, with threonine, which is neutral and polar, at codon 678 of the ABCA3 protein (p.Ala678Thr). This variant is present in population databases (rs769584477, gnomAD 0.05%). This variant has not been reported in the literature in individuals affected with ABCA3-related conditions. ClinVar contains an entry for this variant (Variation ID: 1412955). Advanced modeling of protein sequence and biophysical properties (such as structural, functional, and spatial information, amino acid conservation, physicochemical variation, residue mobility, and thermodynamic stability) performed at Invitae indicates that this missense variant is expected to disrupt ABCA3 protein function. In summary, the available evidence is currently insufficient to determine the role of this variant in disease. Therefore, it has been classified as a Variant of Uncertain Significance.

Ambry Genetics
Classification: Uncertain significance for Hereditary pulmonary alveolar proteinosis. Last evaluated: 2021-10-06. Review status: criteria provided, single submitter. Criteria: Ambry Variant Classification Scheme 2023. Collection method: clinical testing. Allele origin: germline.
Comment: The p.A678T variant (also known as c.2032G>A), located in coding exon 13 of the ABCA3 gene, results from a G to A substitution at nucleotide position 2032. The alanine at codon 678 is replaced by threonine, an amino acid with similar properties. This alteration was reported in one ostensibly healthy individual (Zhou W et al. Sci Rep, 2017 06;7:4097). This amino acid position is highly conserved in available vertebrate species. In addition, this alteration is predicted to be deleterious by in silico analysis. Since supporting evidence is limited at this time, the clinical significance of this alteration remains unclear.

Literature cited by the submitters: PubMed 28642621 (cited by Ambry Genetics).

NM_001089.3(ABCA3):c.2032G>A (p.Ala678Thr)

Gene: ABCA3 (ATP binding cassette subfamily A member 3; minus strand). Cytogenetic location: 16p13.3.
Variant type: single nucleotide variant.
Coding change: c.2032G>A on transcript NM_001089.3 (MANE Select); coding-DNA position 2032, G replaced by A.
Protein change: p.Ala678Thr; replaces alanine 678 with threonine.
Molecular consequence: missense variant.
Genome position (GRCh38, 1-based): chr16:2,297,786, C>T on the plus strand (G>A on the coding strand, the complement: ABCA3 is on the minus strand). VCF-style: chr16-2297786-C-T. GRCh37 (hg19) VCF-style: chr16-2347787-C-T.
Other names: short protein forms A678T.
Identifiers: ClinVar variation 1412955 (VCV001412955.9), dbSNP rs769584477, ClinGen allele CA7840995.